The following is an entry in ClinVar:

NM_001370100.5(ZMYND11):c.927CTT[1] (p.Phe311del)

Gene: ZMYND11 (zinc finger MYND-type containing 11; plus strand). Cytogenetic location: 10p15.3.
Variant type: Microsatellite.
Coding change: c.927CTT[1] on transcript NM_001370100.5 (MANE Select); one copy of the 3-base unit CTT starting at c.927; the reference has two copies in a row; one copy, 3 bases deleted.
Protein change: p.Phe311del; deletes phenylalanine 311.
Molecular consequence: inframe deletion. On other transcripts: non-coding transcript variant (1).
Genome position (GRCh38, 1-based): chr10:242,119-242,121, CTT deleted; deleting any 3 consecutive bases within chr10:242,116-242,121 gives the same sequence; the position shown is the placement nearest the transcript's 3' end. VCF-style (leftmost placement, unchanged base first): chr10-242115-GCTT-G. GRCh37 (hg19) VCF-style: chr10-288055-GCTT-G.
Other names: c.765CTT[1], p.Phe257del (NM_001202464.3, NM_001202467.1, NM_001370103.2 and 6 more transcripts); c.672CTT[1], p.Phe226del (NM_001202465.3, NM_001370110.2); c.762CTT[1], p.Phe256del (NM_001202466.3, NM_001370111.2); c.927CTT[1], p.Phe311del (NM_001202468.1, NM_001370097.3, NM_001370098.2 and 5 more transcripts); c.876CTT[1], p.Phe294del (NM_001330057.3, NM_001370112.2); c.834CTT[1], p.Phe280del (NM_001370113.2, NM_001370114.2); c.924CTT[1], p.Phe310del (NM_001370115.2, NM_212479.4); c.861CTT[1], p.Phe289del (NM_001370116.2); and 7 more; short protein forms F154del, F192del, F209del, F217del, F226del, F235del, F256del, F257del.
Identifiers: ClinVar variation 3340649 (VCV003340649.1).
Genomic context (GRCh38, chr10:242,115, plus strand): 5'-AAGGTTTTGGGTTTTGGCCAGCCAAAGTCATGCAGAAAGAAGACAATCAAGTCGACGTTC[GCTT>G]CTTTGGCCACCACCACCAGAGGTAATTTGTGATCCCATGTTCAGCGGTCACAGCTGTGCT-3'

ClinVar aggregate classification (germline): Likely pathogenic (1 of 4 stars; one submission).

Submission:

GeneDx
Classification: Likely pathogenic. Last evaluated: 2024-03-07. Review status: criteria provided, single submitter. Criteria: GeneDx Variant Classification Process June 2021. Collection method: clinical testing. Allele origin: germline. Affected: yes.
Comment: In-frame deletion of 1 amino acid in a non-repeat region; Not observed at significant frequency in large population cohorts (gnomAD); In silico analysis supports a deleterious effect on protein structure/function; Has not been previously published as pathogenic or benign to our knowledge